The following continues an entry in ClinVar:

NM_000540.3(RYR1):c.1841G>T (p.Arg614Leu)

Gene: RYR1. ClinVar aggregate classification (germline): Pathogenic; drug response. Pathogenic (1).

Submissions 11 to 16 of 16:

All of Us Research Program, National Institutes of Health
Classification: Pathogenic for Malignant hyperthermia, susceptibility to, 1. Last evaluated: 2024-02-08. Review status: criteria provided, single submitter. Criteria: ACMG Guidelines, 2015. Collection method: clinical testing. Allele origin: germline. Inheritance: Autosomal dominant inheritance. Observed: 1 variant allele, 1 heterozygote. Not counted in ClinVar's aggregate classification.
Comment: The c.1841G>T (p.Arg614Leu) variant of the RYR1 gene replaces arginine with leucine at codon 614 of the RYR1 protein (p.Arg614Leu). This missense change has been observed in nine unrelated individuals with personal or family histories of a malignant hyperthermia reaction, positive in vitro contracture test (IVCT) or caffeine halothane contracture test (CHCT) (PMID:10051009, 17710899, 10484775, 30236257, 9389851). This variant segregates with malignant hyperthermia (MHS) in seven individuals (PMID:17710899, 9389851). Functional studies in HEK293 cells show an increased sensitivity to RYR1 agonists (PMID: 27586648, 9873004). Computational prediction (REVEL score 0.931) suggests that this variant may have deleterious impact on protein structure and function. The other alteration affecting the same amino acid, c.1840C>T (p.Arg614Cys), has been classified as pathogenic by the expert panel in ClinVar (ID:12964). For these reasons, the c.1841G>T (p.Arg614Leu) variant of RYR1 is classified as pathogenic.

This study involves interpretation of variants in research participants for the purpose of population health screening. Participant phenotype was not available at the time of variant classification. Additional details can be found in publication PMID: 35346344, PMCID: PMC8962531

Fulgent Genetics
Classification: Pathogenic for Central core myopathy; Malignant hyperthermia, susceptibility to, 1; Congenital myopathy 4A, autosomal dominant; Congenital multicore myopathy with external ophthalmoplegia; King Denborough syndrome. Last evaluated: 2021-08-27. Review status: criteria provided, single submitter. Criteria: ACMG Guidelines, 2015. Collection method: clinical testing. Allele origin: unknown. Not counted in ClinVar's aggregate classification.

Blueprint Genetics
Classification: Pathogenic for RYR1-related disorders. Last evaluated: 2020-08-07. Review status: criteria provided, single submitter. Criteria: ACMG Guidelines, 2015. Collection method: clinical testing. Allele origin: germline. Affected: yes. Observed: 1 variant allele. Not counted in ClinVar's aggregate classification.

PreventionGenetics, part of Exact Sciences
Classification: Pathogenic. Last evaluated: 2018-02-19. Review status: criteria provided, single submitter. Criteria: ACMG Guidelines, 2015. Collection method: clinical testing. Allele origin: germline. Not counted in ClinVar's aggregate classification.

Eurofins Ntd Llc (ga)
Classification: Pathogenic. Last evaluated: 2013-12-18. Review status: criteria provided, single submitter. Criteria: EGL Classification Definitions. Collection method: clinical testing. Allele origin: germline. Observed: 1 variant allele, 1 heterozygote. Not counted in ClinVar's aggregate classification.

RYR1 database
No classification provided. Review status: no classification provided. Collection method: not provided. Allele origin: unknown. Not counted in ClinVar's aggregate classification.

Literature cited by the submitters: PubMed 10051009 (cited by ClinPGx and All of Us Research Program, National Institutes of Health); PubMed 10484775 (cited by ClinPGx and All of Us Research Program, National Institutes of Health); PubMed 16163667 (cited by ClinPGx); PubMed 17710899 (cited by ClinPGx and All of Us Research Program, National Institutes of Health); PubMed 19346234 (cited by ClinPGx); PubMed 20681998 (cited by ClinPGx); PubMed 24433488 (cited by ClinPGx); PubMed 25989378 (cited by ClinPGx); PubMed 9334205 (cited by ClinPGx and Labcorp Genetics (formerly Invitae), Labcorp); PubMed 9389851 (cited by 3 submitters); PubMed 9497245 (cited by ClinPGx); PubMed 9873004 (cited by Labcorp Genetics (formerly Invitae), Labcorp and All of Us Research Program, National Institutes of Health); PubMed 1774074 (cited by Labcorp Genetics (formerly Invitae), Labcorp); PubMed 8602662 (cited by Labcorp Genetics (formerly Invitae), Labcorp); PubMed 10352931 (cited by Labcorp Genetics (formerly Invitae), Labcorp); PubMed 11493496 (cited by Labcorp Genetics (formerly Invitae), Labcorp); PubMed 11668625 (cited by Labcorp Genetics (formerly Invitae), Labcorp); PubMed 12411788 (cited by Labcorp Genetics (formerly Invitae), Labcorp); PubMed 27586648 (cited by All of Us Research Program, National Institutes of Health); PubMed 30236257 (cited by All of Us Research Program, National Institutes of Health).